The following is an entry in ClinVar:

ClinVar aggregate classification (germline): Uncertain significance. Review status: criteria provided, multiple submitters, no conflicts (2 of 4 stars). 2 submissions from 2 submitters: Uncertain significance (2). Last evaluated 2024-04-15.

Conditions:
Cerebral creatine deficiency syndrome. Also called: Creatine deficiency syndromes. Identifiers: Orphanet 79172, MedGen C5244016, MONDO:0000456.

gnomAD v4.1: 4 of 1,613,230 alleles (0.00025%); highest among the groups gnomAD compares: Admixed American, 0.0067%; no homozygotes.

Submissions (2):

Labcorp Genetics (formerly Invitae), Labcorp
Classification: Uncertain significance for Cerebral creatine deficiency syndrome. Last evaluated: 2024-04-15. Review status: criteria provided, single submitter. Criteria: Invitae Variant Classification Sherloc (09022015). Collection method: clinical testing. Allele origin: germline.
Comment: This sequence change replaces glycine, which is neutral and non-polar, with valine, which is neutral and non-polar, at codon 164 of the GAMT protein (p.Gly164Val). This variant is present in population databases (no rsID available, gnomAD 0.009%). This missense change has been observed in individual(s) with clinical features of GAMT-related conditions (PMID: 28600779; Invitae). In at least one individual the data is consistent with being in trans (on the opposite chromosome) from a pathogenic variant. ClinVar contains an entry for this variant (Variation ID: 1312507). Advanced modeling of protein sequence and biophysical properties (such as structural, functional, and spatial information, amino acid conservation, physicochemical variation, residue mobility, and thermodynamic stability) has been performed at Invitae for this missense variant, however the output from this modeling did not meet the statistical confidence thresholds required to predict the impact of this variant on GAMT protein function. In summary, the available evidence is currently insufficient to determine the role of this variant in disease. Therefore, it has been classified as a Variant of Uncertain Significance.

Broad Center for Mendelian Genomics, Broad Institute of MIT and Harvard
Classification: Uncertain significance for Cerebral creatine deficiency syndrome. Last evaluated: 2021-11-02. Review status: criteria provided, single submitter. Criteria: ACMG Guidelines, 2015. Collection method: curation. Allele origin: germline. Inheritance: Autosomal recessive inheritance.
Comment: Although this variant has been seen in the general population in a heterozygous state, its frequency is low enough to be consistent with a recessive carrier frequency. Computational prediction tools and conservation analyses suggest that this variant may impact the protein, though this information is not predictive enough to determine pathogenicity. In summary, the clinical significance of the p.Gly164Val variant is uncertain. ACMG/AMP Criteria applied: PM2_supporting, PP3, PM3_supporting (Richards 2015).

Literature cited by the submitters: PubMed 28600779 (cited by Labcorp Genetics (formerly Invitae), Labcorp).

NM_000156.6(GAMT):c.491G>T (p.Gly164Val)

Gene: GAMT (guanidinoacetate N-methyltransferase; minus strand). Cytogenetic location: 19p13.3.
Variant type: single nucleotide variant.
Coding change: c.491G>T on transcript NM_000156.6 (MANE Select); coding-DNA position 491, G replaced by T.
Protein change: p.Gly164Val; replaces glycine 164 with valine.
Molecular consequence: missense variant.
Genome position (GRCh38, 1-based): chr19:1,398,995, C>A on the plus strand (G>T on the coding strand, the complement: GAMT is on the minus strand). VCF-style: chr19-1398995-C-A. GRCh37 (hg19) VCF-style: chr19-1398994-C-A.
Other names: NM_138924.3:c.491G>T; c.491G>T, p.Gly164Val (NM_138924.3); short protein forms G164V.
Identifiers: ClinVar variation 1312507 (VCV001312507.7), dbSNP rs760101382, ClinGen allele CA402994587.
Genomic context (GRCh38, chr19:1,398,995, plus strand): 5'-TCTGAGTACTTGGACTTCATCAGCTCCCCCCAGGAGGTGAGGTTGCAGTAGGTGAGGACG[C>A]CCCCCGGCTTCAGCAGGCGAAAGGCGTGGTTCTGTGGAAGGGGAGTGGCCAGTGGTCAGG-3'
Protein context (NP_000147.1, residues 154-174): NHAFRLLKPG[Gly164Val]VLTYCNLTSW